The following is an entry in ClinVar:

ClinVar aggregate classification (germline): Uncertain significance (1 of 4 stars; one submission).

Submission:

GeneDx
Classification: Uncertain significance. Last evaluated: 2024-11-04. Review status: criteria provided, single submitter. Criteria: GeneDx Variant Classification Process June 2021. Collection method: clinical testing. Allele origin: germline. Affected: yes.
Comment: Not observed at significant frequency in large population cohorts (gnomAD); In-frame deletion of 8 amino acid(s) in a non-repeat region; In silico analysis supports a deleterious effect on protein structure/function; Has not been previously published as pathogenic or benign to our knowledge

NM_001395159.1(UNC79):c.2265_2288del (p.His757_Phe764del)

Gene: UNC79 (unc-79 homolog, NALCN channel complex subunit; plus strand). Cytogenetic location: 14q32.12.
Variant type: Deletion.
Coding change: c.2265_2288del on transcript NM_001395159.1 (MANE Select); coding-DNA positions 2265 to 2288, 24 bases deleted (ATTTCATAGTCCTTTCCAGAGTCC).
Protein change: p.His757_Phe764del.
Genome position (GRCh38, 1-based): chr14:93,577,895-93,577,918, ATTTCATAGTCCTTTCCAGAGTCC deleted; deleting any 24 consecutive bases within chr14:93,577,890-93,577,918 gives the same sequence; the c. name uses the placement nearest the transcript's 3' end. VCF-style (leftmost placement, unchanged base first): chr14-93577889-TAGTCCATTTCATAGTCCTTTCCAG-T. GRCh37 (hg19) VCF-style: chr14-94044235-TAGTCCATTTCATAGTCCTTTCCAG-T.
Other names: c.2265_2288del, p.His757_Phe764del (NM_001346218.2); c.1734_1757del, p.His580_Phe587del (NM_020818.5).
Identifiers: ClinVar variation 3897456 (VCV003897456.1).